The following is an entry in ClinVar:

NM_000715.4(C4BPA):c.825C>G (p.Gly275=)

Gene: C4BPA (complement component 4 binding protein alpha; plus strand). Cytogenetic location: 1q32.2.
Variant type: single nucleotide variant.
Coding change: c.825C>G on transcript NM_000715.4 (MANE Select); coding-DNA position 825, C replaced by G.
Protein change: p.Gly275=; no amino-acid change (glycine 275 retained).
Molecular consequence: synonymous variant.
Genome position (GRCh38, 1-based): chr1:207,126,831, C>G. VCF-style: chr1-207126831-C-G. GRCh37 (hg19) VCF-style: chr1-207300176-C-G.
Identifiers: ClinVar variation 3777963 (VCV003777963.7).

ClinVar aggregate classification (germline): Likely benign (1 of 4 stars; one submission).

gnomAD v4.1: 494 of 1,613,346 alleles (0.031%); highest among the groups gnomAD compares: Admixed American, 0.26%; 2 homozygotes.

Submission:

CeGaT Center for Human Genetics Tuebingen
Classification: Likely benign. Last evaluated: 2025-03-01. Review status: criteria provided, single submitter. Criteria: CeGaT Center For Human Genetics Tuebingen Variant Classification Criteria Version 2. Collection method: clinical testing. Allele origin: germline. Affected: yes. Observed: 1 variant allele.
Comment: C4BPA: BP4, BP7